The following is an entry in ClinVar:

ClinVar aggregate classification (germline): Likely pathogenic. Review status: criteria provided, multiple submitters, no conflicts (2 of 4 stars). 2 submissions from 2 submitters: Likely pathogenic (2). Last evaluated 2025-04-04.

Conditions:
Dyskeratosis congenita, autosomal recessive 5 (DKCB5). Identifiers: MedGen C3554656, MONDO:0014076, OMIM 615190.
Pulmonary fibrosis and/or bone marrow failure, Telomere-related, 3. Also called: PULMONARY FIBROSIS AND/OR BONE MARROW FAILURE SYNDROME, TELOMERE-RELATED, 3. Identifiers: Orphanet 2032, MedGen C4225346, MONDO:0014613, OMIM 616373.

Submissions (2):

Next Generation Genetic Polyclinic
Classification: Likely pathogenic for Dyskeratosis congenita, autosomal recessive 5. Last evaluated: 2025-04-04. Review status: criteria provided, single submitter. Criteria: ACMG Guidelines, 2015. Collection method: curation. Allele origin: germline. Affected: yes. Observed: 1 variant allele.
Comment: A novel splice site variant in the RTEL1 gene (c.3064+2T>A) was identified in the homozygous state. This variant affects the highly conserved +2 donor splice site of intron 27, likely resulting in aberrant splicing and disruption of normal RTEL1 transcript processing. The variant is absent from population databases (PM2) and predicted to be deleterious by multiple in silico tools (PP3). RTEL1 is associated with autosomal recessive telomere biology disorders, and the clinical phenotype in affected individuals supports a role for pathogenicity. The variant has been reported in three publications in association with disease. Based on ACMG criteria, it is classified as Likely Pathogenic (PM2, PP3, PVS1_moderate, and PS4_supporting).

Labcorp Genetics (formerly Invitae), Labcorp
Classification: Likely pathogenic for Dyskeratosis congenita, autosomal recessive 5; Pulmonary fibrosis and/or bone marrow failure, Telomere-related, 3. Last evaluated: 2023-02-11. Review status: criteria provided, single submitter. Criteria: Invitae Variant Classification Sherloc (09022015). Collection method: clinical testing. Allele origin: germline.
Comment: In summary, the currently available evidence indicates that the variant is pathogenic, but additional data are needed to prove that conclusively. Therefore, this variant has been classified as Likely Pathogenic. Algorithms developed to predict the effect of sequence changes on RNA splicing suggest that this variant may disrupt the consensus splice site. This variant has not been reported in the literature in individuals affected with RTEL1-related conditions. This variant is not present in population databases (gnomAD no frequency). This sequence change affects a donor splice site in intron 30 of the RTEL1 gene. It is expected to disrupt RNA splicing. Variants that disrupt the donor or acceptor splice site typically lead to a loss of protein function (PMID: 16199547), and loss-of-function variants in RTEL1 are known to be pathogenic (PMID: 23453664, 23959892, 25607374).

Literature cited by the submitters: PubMed 25607374 (cited by Next Generation Genetic Polyclinic and Labcorp Genetics (formerly Invitae), Labcorp); PubMed 23453664 (cited by Next Generation Genetic Polyclinic and Labcorp Genetics (formerly Invitae), Labcorp); PubMed 23959892 (cited by Next Generation Genetic Polyclinic and Labcorp Genetics (formerly Invitae), Labcorp); PubMed 16199547 (cited by Labcorp Genetics (formerly Invitae), Labcorp).

NM_001283009.2(RTEL1):c.2992+2T>A

Genes: RTEL1 (regulator of telomere elongation helicase 1; plus strand), RTEL1-TNFRSF6B (RTEL1-TNFRSF6B readthrough (NMD candidate); plus strand). Cytogenetic location: 20q13.33.
Variant type: single nucleotide variant.
Coding change: c.2992+2T>A on transcript NM_001283009.2 (MANE Select); the canonical splice donor site of the intron after coding-DNA position 2992, T replaced by A.
Molecular consequence: splice donor variant.
Genome position (GRCh38, 1-based): chr20:63,693,285, T>A. VCF-style: chr20-63693285-T-A. GRCh37 (hg19) VCF-style: chr20-62324638-T-A.
Other names: c.2323+2T>A (NM_001283010.1); c.3064+2T>A (NM_032957.5); c.2992+2T>A (NM_016434.4).
Identifiers: ClinVar variation 2941943 (VCV002941943.4), dbSNP rs2517170691, ClinGen allele CA409683437.